The following is an entry in ClinVar:

NM_181426.2(CCDC39):c.1490C>T (p.Thr497Ile)

Gene: CCDC39 (coiled-coil domain 39 molecular ruler complex subunit; minus strand). Cytogenetic location: 3q26.33.
Variant type: single nucleotide variant.
Coding change: c.1490C>T on transcript NM_181426.2 (MANE Select); coding-DNA position 1490, C replaced by T.
Protein change: p.Thr497Ile; replaces threonine 497 with isoleucine.
Molecular consequence: missense variant.
Genome position (GRCh38, 1-based): chr3:180,647,116, G>A on the plus strand (C>T on the coding strand, the complement: CCDC39 is on the minus strand). VCF-style: chr3-180647116-G-A. GRCh37 (hg19) VCF-style: chr3-180364904-G-A.
Other names: short protein forms T497I.
Identifiers: ClinVar variation 1432047 (VCV001432047.5), dbSNP rs765773503, ClinGen allele CA2715931.
Genomic context (GRCh38, chr3:180,647,116, plus strand): 5'-AAAATGTATTTTGGCTAAGTTACATGAAGCTTCTTGATCTGTGTTTCCAAAAGGCCACAT[G>A]TAGATTTTTTCTCTTCCAAAGACTTCCTAAGTTCAACAATTTTTGCTTCAAGCGCTTGTT-3'
Protein context (NP_852091.1, residues 487-507): LRKSLEEKKS[Thr497Ile]CGLLETQIKK

ClinVar aggregate classification (germline): Uncertain significance (1 of 4 stars; one submission).

Conditions:
Primary ciliary dyskinesia. Also called: Ciliary dyskinesia. Identifiers: Orphanet 244, MedGen C0008780, MONDO:0016575, HP:0012265.

Allele frequency attached by ClinVar (database versions not stated): gnomAD exomes below 0.00001 and 0.00001; ExAC 0.00002.
gnomAD v4.1: 5 of 1,609,220 alleles (0.00031%); highest among the groups gnomAD compares: Non-Finnish European, 0.00042%; no homozygotes.

Submission:

Labcorp Genetics (formerly Invitae), Labcorp
Classification: Uncertain significance for Primary ciliary dyskinesia. Last evaluated: 2021-09-24. Review status: criteria provided, single submitter. Criteria: Invitae Variant Classification Sherloc (09022015). Collection method: clinical testing. Allele origin: germline.
Comment: This sequence change replaces threonine with isoleucine at codon 497 of the CCDC39 protein (p.Thr497Ile). The threonine residue is moderately conserved and there is a moderate physicochemical difference between threonine and isoleucine. This variant is present in population databases (rs765773503, ExAC 0.005%). This variant has not been reported in the literature in individuals with CCDC39-related conditions. Algorithms developed to predict the effect of missense changes on protein structure and function (SIFT, PolyPhen-2, Align-GVGD) all suggest that this variant is likely to be tolerated, but these predictions have not been confirmed by published functional studies and their clinical significance is uncertain. In summary, the available evidence is currently insufficient to determine the role of this variant in disease. Therefore, it has been classified as a Variant of Uncertain Significance.